The following is an entry in ClinVar:

NM_020884.7(MYH7B):c.2839C>T (p.Arg947Trp)

Gene: MYH7B (myosin heavy chain 7B; plus strand). Cytogenetic location: 20q11.22.
Variant type: single nucleotide variant.
Coding change: c.2839C>T on transcript NM_020884.7 (MANE Select); coding-DNA position 2839, C replaced by T.
Protein change: p.Arg947Trp; replaces arginine 947 with tryptophan.
Molecular consequence: missense variant.
Genome position (GRCh38, 1-based): chr20:34,995,474, C>T. VCF-style: chr20-34995474-C-T. GRCh37 (hg19) VCF-style: chr20-33583277-C-T.
Other names: short protein forms R947W.
Identifiers: ClinVar variation 3612245 (VCV003612245.2).

ClinVar aggregate classification (germline): Uncertain significance (1 of 4 stars; one submission).

gnomAD v4.1: 21 of 1,613,924 alleles (0.0013%); highest among the groups gnomAD compares: African/African-American, 0.008%; no homozygotes.

Submission:

Labcorp Genetics (formerly Invitae), Labcorp
Classification: Uncertain significance. Last evaluated: 2025-10-14. Review status: criteria provided, single submitter. Criteria: Invitae Variant Classification Sherloc (09022015). Collection method: clinical testing. Allele origin: germline.
Comment: This sequence change replaces arginine, which is basic and polar, with tryptophan, which is neutral and slightly polar, at codon 989 of the MYH7B protein (p.Arg989Trp). This variant is present in population databases (rs373290189, gnomAD 0.008%). This variant has not been reported in the literature in individuals affected with MYH7B-related conditions. ClinVar contains an entry for this variant (Variation ID: 3612245). Invitae Evidence Modeling of protein sequence and biophysical properties (such as structural, functional, and spatial information, amino acid conservation, physicochemical variation, residue mobility, and thermodynamic stability) indicates that this missense variant is expected to disrupt MYH7B protein function with a positive predictive value of 80%. In summary, the available evidence is currently insufficient to determine the role of this variant in disease. Therefore, it has been classified as a Variant of Uncertain Significance.